The following is an entry in ClinVar:

NM_005612.5(REST):c.1453G>A (p.Val485Met)

Gene: REST (RE1 silencing transcription factor; plus strand). Cytogenetic location: 4q12.
Variant type: single nucleotide variant.
Coding change: c.1453G>A on transcript NM_005612.5 (MANE Select); coding-DNA position 1453, G replaced by A.
Protein change: p.Val485Met; replaces valine 485 with methionine.
Molecular consequence: missense variant.
Genome position (GRCh38, 1-based): chr4:56,930,311, G>A. VCF-style: chr4-56930311-G-A. GRCh37 (hg19) VCF-style: chr4-57796477-G-A.
Other names: c.1453G>A, p.Val485Met (NM_001193508.2, NM_001363453.3); short protein forms V485M.
Identifiers: ClinVar variation 722055 (VCV000722055.14), dbSNP rs575170084, ClinGen allele CA2932269.
Genomic context (GRCh38, chr4:56,930,311, plus strand): 5'-TCCGTCAAAGCAGAGAAAAGAGATGTCTCAAAAGAGAAAAAGCCTTCTAATAATGTGTCA[G>A]TGATCCAGGTGACTACCAGAACTCGAAAATCAGTAACAGAGGTGAAAGAGATGGATGTGC-3'
Protein context (NP_005603.3, residues 475-495): KEKKPSNNVS[Val485Met]IQVTTRTRKS

ClinVar aggregate classification (germline): Likely benign. Review status: criteria provided, multiple submitters, no conflicts (2 of 4 stars). 3 submissions from 3 submitters: Likely benign (2). 1 of the submissions does not count toward it. Last evaluated 2025-08-07.

Conditions:
REST-related disorder. Also called: REST-related condition.
Inborn genetic diseases. Identifiers: MedGen C0950123, MeSH D030342.

Allele frequency attached by ClinVar (database versions not stated): TOPMed 0.00003; gnomAD 0.00004; ExAC 0.00009; gnomAD exomes 0.00013; 1000 Genomes Project 30x 0.00016; 1000 Genomes Project 0.00020.
gnomAD v4.1: 46 of 1,614,090 alleles (0.0028%); highest among the groups gnomAD compares: East Asian, 0.091%; no homozygotes.

Submissions (3):

Labcorp Genetics (formerly Invitae), Labcorp
Classification: Likely benign. Last evaluated: 2025-08-07. Review status: criteria provided, single submitter. Criteria: Invitae Variant Classification Sherloc (09022015). Collection method: clinical testing. Allele origin: germline.

Ambry Genetics
Classification: Likely benign for Inborn genetic diseases. Last evaluated: 2023-09-12. Review status: criteria provided, single submitter. Criteria: Ambry Variant Classification Scheme 2023. Collection method: clinical testing. Allele origin: germline.

PreventionGenetics, part of Exact Sciences
Classification: Likely benign for REST-related condition. Last evaluated: 2020-08-06. Review status: no assertion criteria provided. Collection method: clinical testing. Allele origin: germline. Not counted in ClinVar's aggregate classification.
Comment: This variant is classified as likely benign based on ACMG/AMP sequence variant interpretation guidelines (Richards et al. 2015 PMID: 25741868, with internal and published modifications).